The following is an entry in ClinVar:

NM_004268.5(MED17):c.1585-1G>T

Gene: MED17 (mediator complex subunit 17; plus strand). Cytogenetic location: 11q21.
Variant type: single nucleotide variant.
Coding change: c.1585-1G>T on transcript NM_004268.5 (MANE Select); the canonical splice acceptor site of the intron before coding-DNA position 1585, G replaced by T.
Molecular consequence: splice acceptor variant.
Genome position (GRCh38, 1-based): chr11:93,809,716, G>T. VCF-style: chr11-93809716-G-T. GRCh37 (hg19) VCF-style: chr11-93542882-G-T.
Other names: c.1585-1G>T (NM_004268.4).
Identifiers: ClinVar variation 2419671 (VCV002419671.9), dbSNP rs1299335718, ClinGen allele CA382361753.
Genomic context (GRCh38, chr11:93,809,716, plus strand): 5'-ATGTTAAGTCACTGCAGATATCTCTGCTGACTGTCAGTCAAGTGTCCTTTTTCATTCACA[G>T]ATGTCACAGCACCAGGTACATGCAGTTCAGCAACTCGCCAAGGTTATGGGCTGGCAAGTA-3'

ClinVar aggregate classification (germline): Likely pathogenic. Review status: criteria provided, multiple submitters, no conflicts (2 of 4 stars). 3 submissions from 3 submitters: Likely pathogenic (3). Last evaluated 2025-04-29.

Conditions:
Infantile cerebral and cerebellar atrophy with postnatal progressive microcephaly (MSBA). Identifiers: Orphanet 402364, MedGen C3150921, MONDO:0013351, OMIM 613668.

Allele frequency attached by ClinVar (database versions not stated): gnomAD exomes below 0.00001.
gnomAD v4.1: 1 of 1,614,156 alleles (0.000062%); highest among the groups gnomAD compares: Admixed American, 0.0017%; no homozygotes.

Submissions (3):

Natera, Inc.
Classification: Likely pathogenic for Postnatal progressive microcephaly with seizures and brain atrophy. Last evaluated: 2025-04-29. Review status: criteria provided, single submitter. Criteria: Natera Variant Classification Schema (03/2026). Collection method: clinical testing. Allele origin: germline.
Comment: The c.1585-1G>T variant in MED17 is a canonical splice acceptor site variant predicted to affect pre-mRNA splicing, which may result in an abnormal transcript and altered protein product. This variant is expected to result in nonsense mediated decay, truncation, or a dysfunctional protein product. This variant is rare in the general population with a frequency below the threshold expected for the associated phenotype(s). Given the available evidence, this variant is classified as Likely Pathogenic.

Fulgent Genetics
Classification: Likely pathogenic for Infantile cerebral and cerebellar atrophy with postnatal progressive microcephaly. Last evaluated: 2024-03-12. Review status: criteria provided, single submitter. Criteria: ACMG Guidelines, 2015. Collection method: clinical testing. Allele origin: germline.

Labcorp Genetics (formerly Invitae), Labcorp
Classification: Likely pathogenic. Last evaluated: 2023-10-13. Review status: criteria provided, single submitter. Criteria: Invitae Variant Classification Sherloc (09022015). Collection method: clinical testing. Allele origin: germline.
Comment: This sequence change affects an acceptor splice site in intron 10 of the MED17 gene. It is expected to disrupt RNA splicing. Variants that disrupt the donor or acceptor splice site typically lead to a loss of protein function (PMID: 16199547), and loss-of-function variants in MED17 are known to be pathogenic (PMID: 20950787, 26004231, 30345598). This variant is present in population databases (no rsID available, gnomAD 0.003%). This variant has not been reported in the literature in individuals affected with MED17-related conditions. ClinVar contains an entry for this variant (Variation ID: 2419671). Algorithms developed to predict the effect of sequence changes on RNA splicing suggest that this variant may disrupt the consensus splice site. In summary, the currently available evidence indicates that the variant is pathogenic, but additional data are needed to prove that conclusively. Therefore, this variant has been classified as Likely Pathogenic.

Literature cited by the submitters: PubMed 16199547 (cited by Labcorp Genetics (formerly Invitae), Labcorp); PubMed 20950787 (cited by Labcorp Genetics (formerly Invitae), Labcorp); PubMed 26004231 (cited by Labcorp Genetics (formerly Invitae), Labcorp); PubMed 30345598 (cited by Labcorp Genetics (formerly Invitae), Labcorp).